The following is an entry in ClinVar:

ClinVar aggregate classification (germline): Conflicting classifications of pathogenicity. Review status: criteria provided, conflicting classifications (1 of 4 stars). 2 submissions from 2 submitters: Uncertain significance (1); Likely benign (1). Last evaluated 2026-02-03.

Conditions:
Oligodontia-cancer predisposition syndrome. Also called: TOOTH AGENESIS-COLORECTAL CANCER SYNDROME. Identifiers: Orphanet 300576, MedGen C1837750, MONDO:0012075, OMIM 608615. Disease mechanism: loss of function.
Hereditary cancer-predisposing syndrome. Also called: Tumor predisposition; Hereditary neoplastic syndrome; Neoplastic Syndromes, Hereditary; Hereditary Cancer Syndrome. Identifiers: Orphanet 140162, MedGen C0027672, MeSH D009386, MONDO:0015356.

Allele frequency attached by ClinVar (database versions not stated): gnomAD exomes below 0.00001.
gnomAD v4.1: 1 of 1,613,866 alleles (0.000062%); highest among the groups gnomAD compares: Non-Finnish European, 0.000085%; no homozygotes.

Submissions (2):

Labcorp Genetics (formerly Invitae), Labcorp
Classification: Uncertain significance for Oligodontia-cancer predisposition syndrome. Last evaluated: 2026-02-03. Review status: criteria provided, single submitter. Criteria: Invitae Variant Classification Sherloc (09022015). Collection method: clinical testing. Allele origin: germline.
Comment: This sequence change replaces proline, which is neutral and non-polar, with alanine, which is neutral and non-polar, at codon 653 of the AXIN2 protein (p.Pro653Ala). This variant is not present in population databases (gnomAD no frequency). This variant has not been reported in the literature in individuals affected with AXIN2-related conditions. ClinVar contains an entry for this variant (Variation ID: 1500235). An algorithm developed to predict the effect of missense changes on protein structure and function (PolyPhen-2) suggests that this variant is likely to be tolerated. In summary, the available evidence is currently insufficient to determine the role of this variant in disease. Therefore, it has been classified as a Variant of Uncertain Significance.

Ambry Genetics
Classification: Likely benign for Hereditary cancer-predisposing syndrome. Last evaluated: 2025-01-23. Review status: criteria provided, single submitter. Criteria: Ambry Variant Classification Scheme 2023. Collection method: clinical testing. Allele origin: germline.

NM_004655.4(AXIN2):c.1957C>G (p.Pro653Ala)

Gene: AXIN2 (axin 2; minus strand). Cytogenetic location: 17q24.1.
Variant type: single nucleotide variant.
Coding change: c.1957C>G on transcript NM_004655.4 (MANE Select); coding-DNA position 1957, C replaced by G.
Protein change: p.Pro653Ala; replaces proline 653 with alanine.
Molecular consequence: missense variant.
Genome position (GRCh38, 1-based): chr17:65,536,504, G>C on the plus strand (C>G on the coding strand, the complement: AXIN2 is on the minus strand). VCF-style: chr17-65536504-G-C. GRCh37 (hg19) VCF-style: chr17-63532622-G-C.
Other names: c.1957C>G (NM_004655.3); c.1762C>G, p.Pro588Ala (NM_001363813.1); short protein forms P588A, P653A.
Identifiers: ClinVar variation 1500235 (VCV001500235.10), dbSNP rs2043920614, ClinGen allele CA400676262.